The following is an entry in ClinVar:

ClinVar aggregate classification (germline): Uncertain significance (1 of 4 stars; one submission).

Conditions:
Familial adenomatous polyposis 1 (FAP1). Also called: FAMILIAL ADENOMATOUS POLYPOSIS 1, ATTENUATED; POLYPOSIS, ADENOMATOUS INTESTINAL. Identifiers: MedGen C2713442, MONDO:0021056, OMIM 175100. Disease mechanism: loss of function.

Submission:

Labcorp Genetics (formerly Invitae), Labcorp
Classification: Uncertain significance for Familial adenomatous polyposis 1. Last evaluated: 2024-07-30. Review status: criteria provided, single submitter. Criteria: Invitae Variant Classification Sherloc (09022015). Collection method: clinical testing. Allele origin: germline.
Comment: This variant occurs in a non-coding region of the APC gene. It does not change the encoded amino acid sequence of the APC protein. This variant is not present in population databases (gnomAD no frequency). This variant has not been reported in the literature in individuals affected with APC-related conditions. Experimental studies and prediction algorithms are not available or were not evaluated, and the functional significance of this variant is currently unknown. In summary, the available evidence is currently insufficient to determine the role of this variant in disease. Therefore, it has been classified as a Variant of Uncertain Significance.

NC_000005.10:g.112707399A>C

Gene: APC (APC regulator of Wnt signaling pathway; plus strand). Cytogenetic location: 5q22.2.
Variant type: single nucleotide variant.
Genome position: GRCh38 VCF-style: chr5-112707399-A-C. GRCh37 (hg19) VCF-style: chr5-112043096-A-C.
Identifiers: ClinVar variation 3660772 (VCV003660772.2).